The following is an entry in ClinVar:

ClinVar aggregate classification (germline): Uncertain significance. Review status: criteria provided, multiple submitters, no conflicts (2 of 4 stars). 3 submissions from 3 submitters: Uncertain significance (3). Last evaluated 2024-11-01.

Conditions:
Hereditary cancer-predisposing syndrome. Also called: Hereditary Cancer Syndrome; Neoplastic Syndromes, Hereditary; Tumor predisposition; Hereditary neoplastic syndrome. Identifiers: Orphanet 140162, MedGen C0027672, MeSH D009386, MONDO:0015356.
Bloom syndrome (BLM). Also called: Bloom-Torre-Machacek syndrome. Identifiers: Orphanet 125, MedGen C0005859, MONDO:0008876, OMIM 210900.

gnomAD v4.1: 2 of 1,613,788 alleles (0.00012%); highest among the groups gnomAD compares: African/African-American, 0.0013%; no homozygotes.

Submissions (3):

CeGaT Center for Human Genetics Tuebingen
Classification: Uncertain significance. Last evaluated: 2024-11-01. Review status: criteria provided, single submitter. Criteria: CeGaT Center For Human Genetics Tuebingen Variant Classification Criteria Version 2. Collection method: clinical testing. Allele origin: germline. Affected: yes. Observed: 1 variant allele.
Comment: BLM: PM2:Supporting

Labcorp Genetics (formerly Invitae), Labcorp
Classification: Uncertain significance for Bloom syndrome. Last evaluated: 2023-08-22. Review status: criteria provided, single submitter. Criteria: Invitae Variant Classification Sherloc (09022015). Collection method: clinical testing. Allele origin: germline.
Comment: This variant is present in population databases (no rsID available, gnomAD no frequency). This variant has not been reported in the literature in individuals affected with BLM-related conditions. ClinVar contains an entry for this variant (Variation ID: 837021). Advanced modeling of protein sequence and biophysical properties (such as structural, functional, and spatial information, amino acid conservation, physicochemical variation, residue mobility, and thermodynamic stability) performed at Invitae indicates that this missense variant is expected to disrupt BLM protein function. In summary, the available evidence is currently insufficient to determine the role of this variant in disease. Therefore, it has been classified as a Variant of Uncertain Significance. This sequence change replaces glycine, which is neutral and non-polar, with valine, which is neutral and non-polar, at codon 1129 of the BLM protein (p.Gly1129Val).

Ambry Genetics
Classification: Uncertain significance for Hereditary cancer-predisposing syndrome. Last evaluated: 2021-05-29. Review status: criteria provided, single submitter. Criteria: Ambry Variant Classification Scheme 2023. Collection method: clinical testing. Allele origin: germline.
Comment: The p.G1129V variant (also known as c.3386G>T), located in coding exon 17 of the BLM gene, results from a G to T substitution at nucleotide position 3386. The glycine at codon 1129 is replaced by valine, an amino acid with dissimilar properties. This amino acid position is highly conserved in available vertebrate species. In addition, this alteration is predicted to be deleterious by in silico analysis. Since supporting evidence is limited at this time, the clinical significance of this alteration remains unclear.

NM_000057.4(BLM):c.3386G>T (p.Gly1129Val)

Gene: BLM (BLM RecQ like helicase; plus strand). Cytogenetic location: 15q26.1.
Variant type: single nucleotide variant.
Coding change: c.3386G>T on transcript NM_000057.4 (MANE Select); coding-DNA position 3386, G replaced by T.
Protein change: p.Gly1129Val; replaces glycine 1129 with valine.
Molecular consequence: missense variant. On other transcripts: intron variant (1).
Genome position (GRCh38, 1-based): chr15:90,803,548, G>T. VCF-style: chr15-90803548-G-T. GRCh37 (hg19) VCF-style: chr15-91346778-G-T.
Other names: c.3386G>T, p.Gly1129Val (NM_001287246.2); c.2261G>T, p.Gly754Val (NM_001287248.2); c.3358+5211G>T (NM_001287247.2); short protein forms G1129V, G754V.
Identifiers: ClinVar variation 837021 (VCV000837021.24), dbSNP rs375841213, ClinGen allele CA393847487.